The following is an entry in ClinVar:

ClinVar aggregate classification (germline): Uncertain significance (1 of 4 stars; one submission).

Conditions:
Severe combined immunodeficiency due to IKK2 deficiency. Also called: IMMUNODEFICIENCY 15B; Immunodeficiency 15. Identifiers: Orphanet 397787, MedGen C4747743, MONDO:0014267, OMIM 615592.

gnomAD v4.1: 3 of 1,613,986 alleles (0.00019%); highest among the groups gnomAD compares: East Asian, 0.0022%; no homozygotes.

Submission:

Labcorp Genetics (formerly Invitae), Labcorp
Classification: Uncertain significance for Severe combined immunodeficiency due to IKK2 deficiency. Last evaluated: 2025-08-13. Review status: criteria provided, single submitter. Criteria: Invitae Variant Classification Sherloc (09022015). Collection method: clinical testing. Allele origin: germline.
Comment: This sequence change replaces glutamic acid, which is acidic and polar, with glycine, which is neutral and non-polar, at codon 753 of the IKBKB protein (p.Glu753Gly). This variant is not present in population databases (gnomAD no frequency). This variant has not been reported in the literature in individuals affected with IKBKB-related conditions. Invitae Evidence Modeling of protein sequence and biophysical properties (such as structural, functional, and spatial information, amino acid conservation, physicochemical variation, residue mobility, and thermodynamic stability) indicates that this missense variant is not expected to disrupt IKBKB protein function with a negative predictive value of 95%. In summary, the available evidence is currently insufficient to determine the role of this variant in disease. Therefore, it has been classified as a Variant of Uncertain Significance.

NM_001556.3(IKBKB):c.2258A>G (p.Glu753Gly)

Gene: IKBKB (inhibitor of nuclear factor kappa B kinase subunit beta; plus strand). Cytogenetic location: 8p11.21.
Variant type: single nucleotide variant.
Coding change: c.2258A>G on transcript NM_001556.3 (MANE Select); coding-DNA position 2258, A replaced by G.
Protein change: p.Glu753Gly; replaces glutamic acid 753 with glycine.
Molecular consequence: missense variant. On other transcripts: non-coding transcript variant (3).
Genome position (GRCh38, 1-based): chr8:42,330,966, A>G. VCF-style: chr8-42330966-A-G. GRCh37 (hg19) VCF-style: chr8-42188484-A-G.
Other names: c.2066A>G, p.Glu689Gly (NM_001190720.3); c.2081A>G, p.Glu694Gly (NM_001242778.2); short protein forms E753G, E694G, E689G.
Identifiers: ClinVar variation 4761305 (VCV004761305.1).
Genomic context (GRCh38, chr8:42,330,966, plus strand): 5'-ACTTTCAGGCCCTAGACTGGAGCTGGTTACAGACGGAAGAAGAAGAGCACAGCTGCCTGG[A>G]GCAGGCCTCATGATGTGGGGGGACTCGACCCCCTGACATGGGGCAGCCCATAGCAGGCCT-3'
Protein context (NP_001547.1, residues 743-756): QTEEEEHSCL[Glu753Gly]QAS